The following is an entry in ClinVar:

ClinVar aggregate classification (germline): Uncertain significance (1 of 4 stars; one submission).

Submission:

GeneDx
Classification: Uncertain significance. Last evaluated: 2025-04-06. Review status: criteria provided, single submitter. Criteria: GeneDx Variant Classification Process June 2021. Collection method: clinical testing. Allele origin: germline. Affected: yes.
Comment: Not observed at significant frequency in large population cohorts (gnomAD); Missense variant in a gene in which most reported pathogenic variants are truncating/loss of function; Has not been previously published as pathogenic or benign to our knowledge

NM_001267550.2(TTN):c.70650C>A (p.Ser23550Arg)

Genes: TTN (titin; minus strand), TTN-AS1 (TTN antisense RNA 1; plus strand), LOC126806422 (BRD4-independent group 4 enhancer GRCh37_chr2:179440205-179441404; plus strand). Cytogenetic location: 2q31.2.
Variant type: single nucleotide variant.
Coding change: c.70650C>A on transcript NM_001267550.2 (MANE Select); coding-DNA position 70650, C replaced by A.
Protein change: p.Ser23550Arg; replaces serine 23550 with arginine.
Molecular consequence: missense variant.
Genome position (GRCh38, 1-based): chr2:178,575,482, G>T on the plus strand (C>A on the coding strand, the complement: TTN is on the minus strand). VCF-style: chr2-178575482-G-T. GRCh37 (hg19) VCF-style: chr2-179440209-G-T.
Other names: p.S21909R:AGC>AGA; c.65727C>A, p.Ser21909Arg (NM_001256850.1); c.43455C>A, p.Ser14485Arg (NM_003319.4); c.62946C>A, p.Ser20982Arg (NM_133378.4); c.43830C>A, p.Ser14610Arg (NM_133432.3); c.44031C>A, p.Ser14677Arg (NM_133437.4); c.70650C>A (NM_001267550.1); short protein forms S21909R, S23550R, S14610R, S20982R, S14485R, S14677R.
Identifiers: ClinVar variation 202828 (VCV000202828.3), dbSNP rs794729487, ClinGen allele CA310412.